The following is an entry in ClinVar:

ClinVar aggregate classification (germline): Uncertain significance. Review status: criteria provided, multiple submitters, no conflicts (2 of 4 stars). 2 submissions from 2 submitters: Uncertain significance (2). Last evaluated 2026-07-03.

Conditions:
Inborn genetic diseases. Identifiers: MedGen C0950123, MeSH D030342.

Submissions (2):

Ambry Genetics
Classification: Uncertain significance for Inborn genetic diseases. Last evaluated: 2026-07-03. Review status: criteria provided, single submitter. Criteria: Ambry Variant Classification Scheme 2023. Collection method: clinical testing. Allele origin: germline.

Labcorp Genetics (formerly Invitae), Labcorp
Classification: Uncertain significance. Last evaluated: 2025-02-17. Review status: criteria provided, single submitter. Criteria: Invitae Variant Classification Sherloc (09022015). Collection method: clinical testing. Allele origin: germline.
Comment: This sequence change replaces valine, which is neutral and non-polar, with isoleucine, which is neutral and non-polar, at codon 150 of the C1QTNF5 protein (p.Val150Ile). This variant is not present in population databases (gnomAD no frequency). This variant has not been reported in the literature in individuals affected with C1QTNF5-related conditions. An algorithm developed to predict the effect of missense changes on protein structure and function (PolyPhen-2) suggests that this variant is likely to be tolerated. In summary, the available evidence is currently insufficient to determine the role of this variant in disease. Therefore, it has been classified as a Variant of Uncertain Significance.

NM_001278431.2(C1QTNF5):c.448G>A (p.Val150Ile)

Genes: C1QTNF5 (C1q and TNF related 5; minus strand), MFRP (membrane frizzled-related protein; minus strand). Cytogenetic location: 11q23.3.
Variant type: single nucleotide variant.
Coding change: c.448G>A on transcript NM_001278431.2 (MANE Select); coding-DNA position 448, G replaced by A.
Protein change: p.Val150Ile; replaces valine 150 with isoleucine.
Molecular consequence: missense variant. On other transcripts: 3 prime UTR variant (1).
Genome position (GRCh38, 1-based): chr11:119,339,615, C>T on the plus strand (G>A on the coding strand, the complement: C1QTNF5 is on the minus strand). VCF-style: chr11-119339615-C-T. GRCh37 (hg19) VCF-style: chr11-119210325-C-T.
Other names: c.448G>A, p.Val150Ile (NM_015645.5); c.*1344G>A (NM_031433.4); c.448G>A (NM_015645.3); short protein forms V150I.
Identifiers: ClinVar variation 4712793 (VCV004712793.2).